The following is an entry in ClinVar:

ClinVar aggregate classification (germline): Uncertain significance (1 of 4 stars; one submission).

Submission:

GeneDx
Classification: Uncertain significance. Last evaluated: 2024-07-10. Review status: criteria provided, single submitter. Criteria: GeneDx Variant Classification Process June 2021. Collection method: clinical testing. Allele origin: germline. Affected: yes.
Comment: Not observed at significant frequency in large population cohorts (gnomAD); In silico analysis indicates that this missense variant does not alter protein structure/function; Has not been previously published as pathogenic or benign to our knowledge

NM_001375380.1(EBF3):c.1201A>T (p.Ile401Phe)

Gene: EBF3 (EBF transcription factor 3; minus strand). Cytogenetic location: 10q26.3.
Variant type: single nucleotide variant.
Coding change: c.1201A>T on transcript NM_001375380.1 (MANE Select); coding-DNA position 1201, A replaced by T.
Protein change: p.Ile401Phe; replaces isoleucine 401 with phenylalanine.
Molecular consequence: missense variant.
Genome position (GRCh38, 1-based): chr10:129,842,287, T>A on the plus strand (A>T on the coding strand, the complement: EBF3 is on the minus strand). VCF-style: chr10-129842287-T-A. GRCh37 (hg19) VCF-style: chr10-131640551-T-A.
Other names: c.1174A>T, p.Ile392Phe (NM_001005463.3, NM_001375390.1, NM_001375392.1); c.1201A>T, p.Ile401Phe (NM_001375379.1, NM_001375389.1, NM_001375391.1); short protein forms I392F, I401F.
Identifiers: ClinVar variation 3572835 (VCV003572835.1).
Genomic context (GRCh38, chr10:129,842,287, plus strand): 5'-GGTTGTGATTGCGGGGAACGCTGTACAGCGCCTCGGCGATGTCCGCCGCTCGCTTCAAGA[T>A]GATCTCCTGCAGCAGGAGCAAGTGGGAGCCGGCCTGTCACCCCAGGCCCGGCCCAGCTGG-3'
Protein context (NP_001362309.1, residues 391-411): YGMPHNNQEI[Ile401Phe]LKRAADIAEA